The following is an entry in ClinVar:

NM_000545.8(HNF1A):c.1742_1768+2delinsACAGGG

Gene: HNF1A (HNF1 homeobox A; plus strand). Cytogenetic location: 12q24.31.
Variant type: Indel.
Coding change: c.1742_1768+2delinsACAGGG on transcript NM_000545.8 (MANE Select); coding-DNA position 1742 through the canonical splice donor site of the intron after coding-DNA position 1768, CCCACCGGCTCAGCGCCAGCCCCACAGGT replaced by ACAGGG.
Molecular consequence: splice donor variant.
Genome position (GRCh38, 1-based): chr12:120,999,601-120,999,629, CCCACCGGCTCAGCGCCAGCCCCACAGGT replaced by ACAGGG. GRCh37 (hg19): chr12:121,437,404-121,437,432.
Other names: c.1763_1789+2delinsACAGGG (NM_001306179.2); c.1550_1576+2delinsACAGGG (NM_001406915.1).
Identifiers: ClinVar variation 2580872 (VCV002580872.2), dbSNP rs2500010393, ClinGen allele CA2580618161.

ClinVar aggregate classification (germline): Likely pathogenic (1 of 4 stars; one submission).

Conditions:
Maturity-onset diabetes of the young (MODY). Also called: Maturity onset diabetes mellitus in young. Identifiers: Orphanet 552, MedGen C0342276, MONDO:0018911, HP:0004904.

Submission:

Dept of Medical Genetics, AP-HP Sorbonne University, Pitié-Salpêtrière hospital
Classification: Likely pathogenic for MODY. Last evaluated: 2022-11-01. Review status: criteria provided, single submitter. Criteria: ACMG Guidelines, 2015. Collection method: clinical testing. Allele origin: germline. Affected: yes.
Comment: minigene showed effect on RNA splicing: skipping of exon 8 (r.1624_1768del, p.Val542Lysfs*70) and skipping of both exons 8 and 9 (r.1502_1768del, p.Ala501_Thr589del). PS3 PM2